The following is an entry in ClinVar:

NM_004991.4(MECOM):c.2419T>A (p.Ser807Thr)

Gene: MECOM (MDS1 and EVI1 complex locus; minus strand). Cytogenetic location: 3q26.2.
Variant type: single nucleotide variant.
Coding change: c.2419T>A on transcript NM_004991.4 (MANE Select); coding-DNA position 2419, T replaced by A.
Protein change: p.Ser807Thr; replaces serine 807 with threonine.
Molecular consequence: missense variant.
Genome position (GRCh38, 1-based): chr3:169,115,453, A>T on the plus strand (T>A on the coding strand, the complement: MECOM is on the minus strand). VCF-style: chr3-169115453-A-T. GRCh37 (hg19) VCF-style: chr3-168833241-A-T.
Other names: c.1855T>A, p.Ser619Thr (NM_001366472.2, NM_005241.4, NM_001105078.4 and 4 more transcripts); c.1447T>A, p.Ser483Thr (NM_001366473.2); c.883T>A, p.Ser295Thr (NM_001366474.2); c.2050T>A, p.Ser684Thr (NM_001105077.4); c.1858T>A, p.Ser620Thr (NM_001163999.2, NM_001366467.2, NM_001366468.2 and 1 more transcripts); c.2419T>A, p.Ser807Thr (NM_001366466.2); short protein forms S619T, S684T, S620T, S807T, S295T, S483T.
Identifiers: ClinVar variation 4105808 (VCV004105808.1).

ClinVar aggregate classification (germline): Uncertain significance (1 of 4 stars; one submission).

Conditions:
Inborn genetic diseases. Identifiers: MedGen C0950123, MeSH D030342.

Submission:

Ambry Genetics
Classification: Uncertain significance for Inborn genetic diseases. Last evaluated: 2025-08-01. Review status: criteria provided, single submitter. Criteria: Ambry Variant Classification Scheme 2023. Collection method: clinical testing. Allele origin: germline.
Comment: The p.S807T variant (also known as c.2419T>A), located in coding exon 8 of the MECOM gene, results from a T to A substitution at nucleotide position 2419. The serine at codon 807 is replaced by threonine, an amino acid with similar properties. This amino acid position is conserved. In addition, this alteration is predicted to be tolerated by in silico analysis. Based on the available evidence, the clinical significance of this variant remains unclear.